The following is an entry in ClinVar:

NM_001379451.1(BCORL1):c.4727T>C (p.Leu1576Pro)

Gene: BCORL1 (BCL6 corepressor like 1; plus strand). Cytogenetic location: Xq26.1.
Variant type: single nucleotide variant.
Coding change: c.4727T>C on transcript NM_001379451.1 (MANE Select); coding-DNA position 4727, T replaced by C.
Protein change: p.Leu1576Pro; replaces leucine 1576 with proline.
Molecular consequence: missense variant.
Genome position (GRCh38, 1-based): chrX:130,039,169, T>C. VCF-style: chrX-130039169-T-C. GRCh37 (hg19) VCF-style: chrX-129173144-T-C.
Other names: c.4727T>C, p.Leu1576Pro (NM_001184772.3, NM_001379450.1); c.4505T>C, p.Leu1502Pro (NM_021946.5); short protein forms L1502P, L1576P.
Identifiers: ClinVar variation 3252540 (VCV003252540.1), dbSNP rs753871830.
Genomic context (GRCh38, chrX:130,039,169, plus strand): 5'-TTATCCTCACCCTGTATCACCTCCACAGGCCAGTTCATGATGCGGTGGTCAATGACAACC[T>C]GGAGACCATCTGGCTCCTGCTGTCCTATGGGGCCGATCCCACACTGGCTACCTACTCGGG-3'
Protein context (NP_001366380.1, residues 1566-1586): PVHDAVVNDN[Leu1576Pro]ETIWLLLSYG

ClinVar aggregate classification (germline): Uncertain significance (1 of 4 stars; one submission).

Allele frequency attached by ClinVar (database versions not stated): gnomAD exomes below 0.00001; ExAC 0.00001.
gnomAD v4.1: 2 of 1,211,702 alleles (0.00017%); highest among the groups gnomAD compares: Non-Finnish European, 0.00022%; no homozygotes.

Submission:

GeneDx
Classification: Uncertain significance. Last evaluated: 2023-12-07. Review status: criteria provided, single submitter. Criteria: GeneDx Variant Classification Process June 2021. Collection method: clinical testing. Allele origin: germline. Affected: yes.
Comment: Not observed at significant frequency in large population cohorts (gnomAD); In silico analysis supports that this missense variant has a deleterious effect on protein structure/function; Has not been previously published as pathogenic or benign to our knowledge